The following is an entry in ClinVar:

NM_004281.4(BAG3):c.181-291A>G

Gene: BAG3 (BAG cochaperone 3; plus strand). Cytogenetic location: 10q26.11.
Variant type: single nucleotide variant.
Coding change: c.181-291A>G on transcript NM_004281.4 (MANE Select); 291 bases into the intron before coding-DNA position 181, A replaced by G.
Molecular consequence: intron variant.
Genome position (GRCh38, 1-based): chr10:119,669,560, A>G. VCF-style: chr10-119669560-A-G. GRCh37 (hg19) VCF-style: chr10-121429072-A-G.
Identifiers: ClinVar variation 671337 (VCV000671337.2), dbSNP rs7900065, ClinGen allele CA13253330.

ClinVar aggregate classification (germline): Benign. Review status: criteria provided, multiple submitters, no conflicts (2 of 4 stars). 2 submissions from 2 submitters: Benign (2). Last evaluated 2018-06-14.

Allele frequency attached by ClinVar (database versions not stated): 1000 Genomes Project 0.05631; 1000 Genomes Project 30x 0.05700; gnomAD 0.06743 and 0.06909; TOPMed 0.07031.
gnomAD v4.1: 10,268 of 152,282 alleles (6.7%); highest among the groups gnomAD compares: Middle Eastern, 17%; 400 homozygotes.

Submissions (2):

GeneDx
Classification: Benign. Last evaluated: 2018-06-14. Review status: criteria provided, single submitter. Criteria: GeneDx Variant Classification (06012015). Collection method: clinical testing. Allele origin: germline. Affected: yes.
Comment: This variant is considered likely benign or benign based on one or more of the following criteria: it is a conservative change, it occurs at a poorly conserved position in the protein, it is predicted to be benign by multiple in silico algorithms, and/or has population frequency not consistent with disease.

Breakthrough Genomics
Classification: Benign. Review status: criteria provided, single submitter. Criteria: ACMG Guidelines, 2015. Collection method: not provided. Allele origin: germline. Inheritance: Autosomal dominant inheritance. Affected: yes.